The following is an entry in ClinVar:

ClinVar aggregate classification (germline): Uncertain significance (1 of 4 stars; one submission).

gnomAD v4.1: 21 of 1,613,924 alleles (0.0013%); highest among the groups gnomAD compares: African/African-American, 0.0067%; no homozygotes.

Submission:

Labcorp Genetics (formerly Invitae), Labcorp
Classification: Uncertain significance. Last evaluated: 2025-04-02. Review status: criteria provided, single submitter. Criteria: Invitae Variant Classification Sherloc (09022015). Collection method: clinical testing. Allele origin: germline.
Comment: This sequence change affects codon 1812 of the NYNRIN mRNA. It is a 'silent' change, meaning that it does not change the encoded amino acid sequence of the NYNRIN protein. This variant is present in population databases (rs759829542, gnomAD 0.007%). This variant has not been reported in the literature in individuals affected with NYNRIN-related conditions. Experimental studies and prediction algorithms are not available or were not evaluated, and the effect of this variant on mRNA splicing is currently unknown. In summary, the available evidence is currently insufficient to determine the role of this variant in disease. Therefore, it has been classified as a Variant of Uncertain Significance.

NM_025081.3(NYNRIN):c.5436C>T (p.Ala1812=)

Gene: NYNRIN (NYN domain and retroviral integrase containing; plus strand). Cytogenetic location: 14q12.
Variant type: single nucleotide variant.
Coding change: c.5436C>T on transcript NM_025081.3 (MANE Select); coding-DNA position 5436, C replaced by T.
Protein change: p.Ala1812=; no amino-acid change (alanine 1812 retained).
Molecular consequence: synonymous variant.
Genome position (GRCh38, 1-based): chr14:24,417,185, C>T. VCF-style: chr14-24417185-C-T. GRCh37 (hg19) VCF-style: chr14-24886391-C-T.
Identifiers: ClinVar variation 4755083 (VCV004755083.1).